The following is an entry in ClinVar:

ClinVar aggregate classification (germline): Uncertain significance (1 of 4 stars; one submission).

Conditions:
Hereditary cancer-predisposing syndrome. Also called: Hereditary neoplastic syndrome; Hereditary Cancer Syndrome; Neoplastic Syndromes, Hereditary; Tumor predisposition. Identifiers: Orphanet 140162, MedGen C0027672, MeSH D009386, MONDO:0015356.

Submission:

Ambry Genetics
Classification: Uncertain significance for Hereditary cancer-predisposing syndrome. Last evaluated: 2023-03-21. Review status: criteria provided, single submitter. Criteria: Ambry Variant Classification Scheme 2023. Collection method: clinical testing. Allele origin: germline.
Comment: The p.N685H variant (also known as c.2053A>C), located in coding exon 12 of the ATM gene, results from an A to C substitution at nucleotide position 2053. The asparagine at codon 685 is replaced by histidine, an amino acid with similar properties. This amino acid position is conserved. In addition, this alteration is predicted to be tolerated by in silico analysis. Since supporting evidence is limited at this time, the clinical significance of this alteration remains unclear.

NM_000051.4(ATM):c.2053A>C (p.Asn685His)

Gene: ATM (ATM serine/threonine kinase; plus strand). Cytogenetic location: 11q22.3.
Variant type: single nucleotide variant.
Coding change: c.2053A>C on transcript NM_000051.4 (MANE Select); coding-DNA position 2053, A replaced by C.
Protein change: p.Asn685His; replaces asparagine 685 with histidine.
Molecular consequence: missense variant.
Genome position (GRCh38, 1-based): chr11:108,253,968, A>C. VCF-style: chr11-108253968-A-C. GRCh37 (hg19) VCF-style: chr11-108124695-A-C.
Other names: c.2053A>C, p.Asn685His (NM_001351834.2); short protein forms N685H.
Identifiers: ClinVar variation 2568170 (VCV002568170.2), dbSNP rs2497316265, ClinGen allele CA382537459.